The following is an entry in ClinVar:

NM_012193.4(FZD4):c.666G>A (p.Trp222Ter)

Genes: PRSS23 (serine protease 23; plus strand), FZD4 (frizzled class receptor 4; minus strand). Cytogenetic location: 11q14.2.
Variant type: single nucleotide variant.
Coding change: c.666G>A on transcript NM_012193.4 (MANE Select); coding-DNA position 666, G replaced by A.
Protein change: p.Trp222Ter; replaces tryptophan 222 with a stop codon.
Molecular consequence: nonsense. On other transcripts: non-coding transcript variant (2).
Genome position (GRCh38, 1-based): chr11:86,952,090, C>T on the plus strand (G>A on the coding strand, the complement: FZD4 is on the minus strand). VCF-style: chr11-86952090-C-T. GRCh37 (hg19) VCF-style: chr11-86663132-C-T.
Other names: short protein forms W222*.
Identifiers: ClinVar variation 523865 (VCV000523865.2), dbSNP rs1555085637, ClinGen allele CA382014962.

ClinVar aggregate classification (germline): Pathogenic (1 of 4 stars; one submission).

Submission:

GeneDx
Classification: Pathogenic. Last evaluated: 2018-04-17. Review status: criteria provided, single submitter. Criteria: GeneDx Variant Classification (06012015). Collection method: clinical testing. Allele origin: germline. Affected: yes.
Comment: The W222X variant in the FZD4 gene has not been reported previously as a pathogenic variant nor as a benign variant, to our knowledge. This variant is predicted to cause loss of normal protein function through protein truncation. The W222X variant is not observed in large population cohorts (Lek et al., 2016). We interpret W222X as a pathogenic variant.